The following is an entry in ClinVar:

ClinVar aggregate classification (germline): Uncertain significance. Review status: criteria provided, multiple submitters, no conflicts (2 of 4 stars). 3 submissions from 3 submitters: Uncertain significance (3). Last evaluated 2025-05-07.

Conditions:
Inborn genetic diseases. Identifiers: MedGen C0950123, MeSH D030342.

Allele frequency attached by ClinVar (database versions not stated): gnomAD 0.00013 and 0.00018; TOPMed 0.00014; 1000 Genomes Project 0.00020; 1000 Genomes Project 30x 0.00031.
gnomAD v4.1: 317 of 1,610,130 alleles (0.02%); highest among the groups gnomAD compares: East Asian, 0.59%; 2 homozygotes.

Submissions (3):

Ambry Genetics
Classification: Uncertain significance for Inborn genetic diseases. Last evaluated: 2025-05-07. Review status: criteria provided, single submitter. Criteria: Ambry Variant Classification Scheme 2023. Collection method: clinical testing. Allele origin: germline.

GeneDx
Classification: Uncertain significance. Last evaluated: 2024-11-07. Review status: criteria provided, single submitter. Criteria: GeneDx Variant Classification Process June 2021. Collection method: clinical testing. Allele origin: germline. Affected: yes.
Comment: In silico analysis indicates that this missense variant does not alter protein structure/function; Has not been previously published as pathogenic or benign to our knowledge

Laboratory for Molecular Medicine, Mass General Brigham Personalized Medicine
Classification: Uncertain significance. Last evaluated: 2016-06-09. Review status: criteria provided, single submitter. Criteria: LMM Criteria. Collection method: clinical testing. Allele origin: germline. Observed: 3 variant alleles.
Comment: The p.Arg462Gln variant in ILDR1 has now been identified by our laboratory in th ree individuals with hearing loss, none of whom had a variant affecting the rema ining copy of the gene. This variant has also been identified in 8/64714 Europea n chromosomes and 6/8534 East Asian chromosomes by the Exome Aggregation Consort ium (ExAC; dbSNP rs200630651). Although this var iant has been seen in the general population, its frequency is not high enough t o rule out a pathogenic role. Computational prediction tools and conservation an alyses do not provide strong support for or against an impact to the protein. In summary, the clinical significance of the p.Arg462Gln variant is uncertain.

NM_001199799.2(ILDR1):c.1385G>A (p.Arg462Gln)

Gene: ILDR1 (immunoglobulin like domain containing receptor 1; minus strand). Cytogenetic location: 3q13.33.
Variant type: single nucleotide variant.
Coding change: c.1385G>A on transcript NM_001199799.2 (MANE Select); coding-DNA position 1385, G replaced by A.
Protein change: p.Arg462Gln; replaces arginine 462 with glutamine.
Molecular consequence: missense variant.
Genome position (GRCh38, 1-based): chr3:121,993,364, C>T on the plus strand (G>A on the coding strand, the complement: ILDR1 is on the minus strand). VCF-style: chr3-121993364-C-T. GRCh37 (hg19) VCF-style: chr3-121712211-C-T.
Other names: c.1118G>A, p.Arg373Gln (NM_001199800.2); c.1253G>A, p.Arg418Gln (NM_175924.4); short protein forms R462Q, R373Q, R418Q.
Identifiers: ClinVar variation 228746 (VCV000228746.6), dbSNP rs200630651, ClinGen allele CA2568690.
Genomic context (GRCh38, chr3:121,993,364, plus strand): 5'-TCAGAGCTCCAGGAACTGAGGCCGGAGGGCAAGGGAGGAGAGTAGCTGCGGTGCCTGCGT[C>T]GTCTCCCGTGCCTCTGAGTGCTCTCCCGGGGGCTGGGCCTGCGGGGCCTCTCCTGACAGC-3'
Protein context (NP_001186728.1, residues 452-472): PRESTQRHGR[Arg462Gln]RRHRSYSPPL